The following is an entry in ClinVar:

ClinVar aggregate classification (germline): Uncertain significance. Review status: criteria provided, multiple submitters, no conflicts (2 of 4 stars). 2 submissions from 2 submitters: Uncertain significance (2). Last evaluated 2025-11-12.

Conditions:
Inborn genetic diseases. Identifiers: MedGen C0950123, MeSH D030342.
Holoprosencephaly 11 (HPE11). Identifiers: Orphanet 2162, MedGen C3280215, MONDO:0013642, OMIM 614226.

Allele frequency attached by ClinVar (database versions not stated): ExAC 0.00001; gnomAD exomes 0.00002; TOPMed 0.00003.

Submissions (2):

Ambry Genetics
Classification: Uncertain significance for Inborn genetic diseases. Last evaluated: 2025-11-12. Review status: criteria provided, single submitter. Criteria: Ambry Variant Classification Scheme 2023. Collection method: clinical testing. Allele origin: germline.

Labcorp Genetics (formerly Invitae), Labcorp
Classification: Uncertain significance for Holoprosencephaly 11. Last evaluated: 2024-10-24. Review status: criteria provided, single submitter. Criteria: Invitae Variant Classification Sherloc (09022015). Collection method: clinical testing. Allele origin: germline.
Comment: This sequence change replaces arginine, which is basic and polar, with tryptophan, which is neutral and slightly polar, at codon 157 of the CDON protein (p.Arg157Trp). This variant is present in population databases (rs760795607, gnomAD 0.006%). This variant has not been reported in the literature in individuals affected with CDON-related conditions. ClinVar contains an entry for this variant (Variation ID: 1414864). An algorithm developed to predict the effect of missense changes on protein structure and function (PolyPhen-2) suggests that this variant is likely to be disruptive. In summary, the available evidence is currently insufficient to determine the role of this variant in disease. Therefore, it has been classified as a Variant of Uncertain Significance.

NM_001378964.1(CDON):c.469C>T (p.Arg157Trp)

Gene: CDON (cell adhesion associated, oncogene regulated; minus strand). Cytogenetic location: 11q24.2.
Variant type: single nucleotide variant.
Coding change: c.469C>T on transcript NM_001378964.1 (MANE Select); coding-DNA position 469, C replaced by T.
Protein change: p.Arg157Trp; replaces arginine 157 with tryptophan.
Molecular consequence: missense variant.
Genome position (GRCh38, 1-based): chr11:126,019,646, G>A on the plus strand (C>T on the coding strand, the complement: CDON is on the minus strand). VCF-style: chr11-126019646-G-A. GRCh37 (hg19) VCF-style: chr11-125889541-G-A.
Other names: c.469C>T, p.Arg157Trp (NM_001243597.3, NM_016952.6); short protein forms R157W.
Identifiers: ClinVar variation 1414864 (VCV001414864.7), dbSNP rs760795607, ClinGen allele CA6352330.
Genomic context (GRCh38, chr11:126,019,646, plus strand): 5'-TGTGTGCCACCGGCTTTTCACAAAAGGTCTCACCTGTGGAATGTTCCAGCCATTTTCCCC[G>A]GATTTTATAGCGCACCTCAGCTTTGGGGTTACTCTCCGGTACCCTGCAGCCAATGAAACC-3'
Protein context (NP_001365893.1, residues 147-167): NPKAEVRYKI[Arg157Trp]GKWLEHSTEN